The following is an entry in ClinVar:

ClinVar aggregate classification (germline): Uncertain significance (1 of 4 stars; one submission).

Conditions:
Neuroblastoma, susceptibility to, 3. Also called: ALK-Related Neuroblastic Tumor Susceptibility. Identifiers: Orphanet 635, MedGen C2751681, MONDO:0013083, OMIM 613014.

Submission:

Labcorp Genetics (formerly Invitae), Labcorp
Classification: Uncertain significance for Neuroblastoma, susceptibility to, 3. Last evaluated: 2023-08-16. Review status: criteria provided, single submitter. Criteria: Invitae Variant Classification Sherloc (09022015). Collection method: clinical testing. Allele origin: unknown.
Comment: This variant results in a copy number gain of the genomic region encompassing exon(s) 5-9 of the ALK gene. While the exact position of this variant cannot be determined from the data, sub-genic copy number gains are generally in tandem (PMID: 25640679). This variant is predicted to be in-frame, and likely preserves the integrity of the reading frame. This variant has not been reported in the literature in individuals affected with ALK-related conditions. Experimental studies and prediction algorithms are not available or were not evaluated, and the functional significance of this variant is currently unknown. In summary, the available evidence is currently insufficient to determine the role of this variant in disease. Therefore, it has been classified as a Variant of Uncertain Significance.

Literature cited by the submitters: PubMed 25640679.

NC_000002.11:g.(?_29519734)_(29606745_?)dup

Gene: ALK (ALK receptor tyrosine kinase; minus strand). Cytogenetic location: 2p23.2.
Variant type: Duplication.
Identifiers: ClinVar variation 3247360 (VCV003247360.1).